The following is an entry in ClinVar:

NM_001375834.1(WIPF1):c.39G>C (p.Pro13=)

Genes: WIPF1-AS1 (WIPF1 and CHRNA1 antisense RNA 1; plus strand), WIPF1 (WAS/WASL interacting protein family member 1; minus strand). Cytogenetic location: 2q31.1.
Variant type: single nucleotide variant.
Coding change: c.39G>C on transcript NM_001375834.1 (MANE Select); coding-DNA position 39, G replaced by C.
Protein change: p.Pro13=; no amino-acid change (proline 13 retained).
Molecular consequence: synonymous variant.
Genome position (GRCh38, 1-based): chr2:174,585,535, C>G on the plus strand (G>C on the coding strand, the complement: WIPF1 is on the minus strand). VCF-style: chr2-174585535-C-G. GRCh37 (hg19) VCF-style: chr2-175450263-C-G.
Other names: c.39G>C, p.Pro13= (NM_001077269.1, NM_001375832.1, NM_001375833.1 and 6 more transcripts).
Identifiers: ClinVar variation 3234259 (VCV003234259.20), dbSNP rs143623121, ClinGen allele CA430139544.

ClinVar aggregate classification (germline): Likely benign (1 of 4 stars; one submission).

Submission:

CeGaT Center for Human Genetics Tuebingen
Classification: Likely benign. Last evaluated: 2024-04-01. Review status: criteria provided, single submitter. Criteria: CeGaT Center For Human Genetics Tuebingen Variant Classification Criteria Version 2. Collection method: clinical testing. Allele origin: germline. Affected: yes. Observed: 1 variant allele.
Comment: WIPF1: BP4, BP7